The following is an entry in ClinVar:

ClinVar aggregate classification (germline): Conflicting classifications of pathogenicity. Review status: criteria provided, conflicting classifications (1 of 4 stars). 5 submissions from 5 submitters: Uncertain significance (3); Likely benign (1). 1 of the submissions does not count toward it. Last evaluated 2024-08-08.

Conditions:
Usher syndrome type 1 (USH1). Also called: RETINITIS PIGMENTOSA AND CONGENITAL DEAFNESS. Identifiers: Orphanet 231169, Orphanet 886, MedGen C1568247, MONDO:0010168, OMIM 276900.
Inborn genetic diseases. Identifiers: MedGen C0950123, MeSH D030342.

Allele frequency attached by ClinVar (database versions not stated): gnomAD exomes 0.00014 and 0.00007; ExAC 0.00008; ESP Exome Variant Server 0.00015; gnomAD 0.00019 and 0.00021; TOPMed 0.00031.
gnomAD v4.1: 142 of 1,613,800 alleles (0.0088%); highest among the groups gnomAD compares: Middle Eastern, 0.082%; 1 homozygote.

Submissions (5):

GeneDx
Classification: Uncertain significance. Last evaluated: 2024-08-08. Review status: criteria provided, single submitter. Criteria: GeneDx Variant Classification Process June 2021. Collection method: clinical testing. Allele origin: germline. Affected: yes.
Comment: In silico analysis indicates that this missense variant does not alter protein structure/function; Has not been previously published as pathogenic or benign to our knowledge

Labcorp Genetics (formerly Invitae), Labcorp
Classification: Uncertain significance. Last evaluated: 2022-10-21. Review status: criteria provided, single submitter. Criteria: Invitae Variant Classification Sherloc (09022015). Collection method: clinical testing. Allele origin: germline.
Comment: This sequence change replaces aspartic acid, which is acidic and polar, with asparagine, which is neutral and polar, at codon 1686 of the CDH23 protein (p.Asp1686Asn). This variant is present in population databases (rs373836924, gnomAD 0.05%). This variant has not been reported in the literature in individuals affected with CDH23-related conditions. ClinVar contains an entry for this variant (Variation ID: 990278). Advanced modeling of protein sequence and biophysical properties (such as structural, functional, and spatial information, amino acid conservation, physicochemical variation, residue mobility, and thermodynamic stability) performed at Invitae indicates that this missense variant is not expected to disrupt CDH23 protein function. In summary, the available evidence is currently insufficient to determine the role of this variant in disease. Therefore, it has been classified as a Variant of Uncertain Significance.

Ambry Genetics
Classification: Likely benign for Inborn genetic diseases. Last evaluated: 2022-06-09. Review status: criteria provided, single submitter. Criteria: Ambry Variant Classification Scheme 2023. Collection method: clinical testing. Allele origin: germline.

Breakthrough Genomics
Classification: Uncertain significance. Review status: criteria provided, single submitter. Criteria: ACMG Guidelines, 2015. Collection method: not provided. Allele origin: germline. Inheritance: Autosomal recessive inheritance. Affected: yes.

Natera, Inc.
Classification: Uncertain significance for Usher syndrome type 1. Last evaluated: 2020-04-16. Review status: no assertion criteria provided. Collection method: clinical testing. Allele origin: germline. Not counted in ClinVar's aggregate classification.

NM_022124.6(CDH23):c.5056G>A (p.Asp1686Asn)

Gene: CDH23 (cadherin related 23; plus strand). Cytogenetic location: 10q22.1.
Variant type: single nucleotide variant.
Coding change: c.5056G>A on transcript NM_022124.6 (MANE Select); coding-DNA position 5056, G replaced by A.
Protein change: p.Asp1686Asn; replaces aspartic acid 1686 with asparagine.
Molecular consequence: missense variant.
Genome position (GRCh38, 1-based): chr10:71,777,890, G>A. VCF-style: chr10-71777890-G-A. GRCh37 (hg19) VCF-style: chr10-73537647-G-A.
Other names: c.5056G>A (NM_022124.5); short protein forms D1686N.
Identifiers: ClinVar variation 990278 (VCV000990278.5), dbSNP rs373836924, ClinGen allele CA5545618.